The following is an entry in ClinVar:

ClinVar aggregate classification (germline): Uncertain significance (1 of 4 stars; one submission).

Allele frequency attached by ClinVar (database versions not stated): gnomAD exomes below 0.00001 and 0.00001.
gnomAD v4.1: 2 of 1,577,768 alleles (0.00013%); highest among the groups gnomAD compares: Admixed American, 0.0033%; no homozygotes.

Submission:

Labcorp Genetics (formerly Invitae), Labcorp
Classification: Uncertain significance. Last evaluated: 2023-08-17. Review status: criteria provided, single submitter. Criteria: Invitae Variant Classification Sherloc (09022015). Collection method: clinical testing. Allele origin: germline.
Comment: This variant has not been reported in the literature in individuals affected with CNGA1-related conditions. ClinVar contains an entry for this variant (Variation ID: 1463969). Variants that disrupt the consensus splice site are a relatively common cause of aberrant splicing (PMID: 17576681, 9536098). Algorithms developed to predict the effect of sequence changes on RNA splicing suggest that this variant is not likely to affect RNA splicing. In summary, the available evidence is currently insufficient to determine the role of this variant in disease. Therefore, it has been classified as a Variant of Uncertain Significance. This variant is present in population databases (no rsID available, gnomAD 0.006%). This sequence change falls in intron 8 of the CNGA1 gene. It does not directly change the encoded amino acid sequence of the CNGA1 protein. It affects a nucleotide within the consensus splice site.

Literature cited by the submitters: PubMed 17576681; PubMed 9536098.

NM_001379270.1(CNGA1):c.437+6C>G

Genes: CNGA1 (cyclic nucleotide gated channel subunit alpha 1; minus strand), LOC101927157 (uncharacterized LOC101927157; plus strand). Cytogenetic location: 4p12.
Variant type: single nucleotide variant.
Coding change: c.437+6C>G on transcript NM_001379270.1 (MANE Select); 6 bases into the intron after coding-DNA position 437, C replaced by G.
Molecular consequence: intron variant.
Genome position (GRCh38, 1-based): chr4:47,943,175, G>C on the plus strand (C>G on the coding strand, the complement: CNGA1 is on the minus strand). VCF-style: chr4-47943175-G-C. GRCh37 (hg19) VCF-style: chr4-47945192-G-C.
Other names: c.437+6C>G (NM_000087.5, NM_001142564.2).
Identifiers: ClinVar variation 1463969 (VCV001463969.6), dbSNP rs1174623998, ClinGen allele CA551314609.